The following is an entry in ClinVar:

ClinVar aggregate classification (germline): Uncertain significance (1 of 4 stars; one submission).

Conditions:
Hereditary cancer-predisposing syndrome. Also called: Hereditary Cancer Syndrome; Neoplastic Syndromes, Hereditary; Tumor predisposition; Hereditary neoplastic syndrome. Identifiers: Orphanet 140162, MedGen C0027672, MeSH D009386, MONDO:0015356.

Submission:

Color Diagnostics, LLC DBA Color Health
Classification: Uncertain significance for Hereditary cancer-predisposing syndrome. Last evaluated: 2023-12-05. Review status: criteria provided, single submitter. Criteria: ACMG Guidelines, 2015. Collection method: clinical testing. Allele origin: germline.
Comment: This missense variant replaces tryptophan with cysteine at codon 1049 of the APC protein. Computational prediction is inconclusive regarding the impact of this variant on protein structure and function (internally defined REVEL score threshold 0.5 < inconclusive < 0.7, PMID: 27666373). To our knowledge, functional studies have not been reported for this variant. This variant has not been reported in individuals affected with APC-related disorders in the literature. This variant has not been identified in the general population by the Genome Aggregation Database (gnomAD). The available evidence is insufficient to determine the role of this variant in disease conclusively. Therefore, this variant is classified as a Variant of Uncertain Significance.

NM_000038.6(APC):c.3147G>C (p.Trp1049Cys)

Gene: APC (APC regulator of Wnt signaling pathway; plus strand). Cytogenetic location: 5q22.2.
Variant type: single nucleotide variant.
Coding change: c.3147G>C on transcript NM_000038.6 (MANE Select); coding-DNA position 3147, G replaced by C.
Protein change: p.Trp1049Cys; replaces tryptophan 1049 with cysteine.
Molecular consequence: missense variant.
Genome position (GRCh38, 1-based): chr5:112,838,741, G>C. VCF-style: chr5-112838741-G-C. GRCh37 (hg19) VCF-style: chr5-112174438-G-C.
Other names: c.3147G>C, p.Trp1049Cys (NM_001127510.3, NM_001354895.2); c.3093G>C, p.Trp1031Cys (NM_001127511.3); c.3201G>C, p.Trp1067Cys (NM_001354896.2); c.3177G>C, p.Trp1059Cys (NM_001354897.2); c.3072G>C, p.Trp1024Cys (NM_001354898.2); c.3063G>C, p.Trp1021Cys (NM_001354899.2); c.3024G>C, p.Trp1008Cys (NM_001354900.2); c.2970G>C, p.Trp990Cys (NM_001354901.2); and 5 more; short protein forms W1031C, W1049C, W1021C, W889C, W948C, W958C, W1008C, W990C.
Identifiers: ClinVar variation 489435 (VCV000489435.6), dbSNP rs863225340, ClinGen allele CA16028230.